The following is an entry in ClinVar:

ClinVar aggregate classification (germline): Pathogenic (1 of 4 stars; one submission).

Allele frequency attached by ClinVar (database versions not stated): gnomAD 0.00001; TOPMed 0.00001.
gnomAD v4.1: 6 of 1,610,080 alleles (0.00037%); highest among the groups gnomAD compares: African/African-American, 0.0027%; no homozygotes.

Submission:

Labcorp Genetics (formerly Invitae), Labcorp
Classification: Pathogenic. Last evaluated: 2021-12-25. Review status: criteria provided, single submitter. Criteria: Invitae Variant Classification Sherloc (09022015). Collection method: clinical testing. Allele origin: germline.
Comment: For these reasons, this variant has been classified as Pathogenic. This variant has not been reported in the literature in individuals affected with TTLL5-related conditions. This variant is not present in population databases (gnomAD no frequency). This sequence change creates a premature translational stop signal (p.Arg1080*) in the TTLL5 gene. It is expected to result in an absent or disrupted protein product. Loss-of-function variants in TTLL5 are known to be pathogenic (PMID: 24791901, 27162334).

Literature cited by the submitters: PubMed 24791901; PubMed 27162334.

NM_015072.5(TTLL5):c.3238C>T (p.Arg1080Ter)

Gene: TTLL5 (tubulin tyrosine ligase like 5; plus strand). Cytogenetic location: 14q24.3.
Variant type: single nucleotide variant.
Coding change: c.3238C>T on transcript NM_015072.5 (MANE Select); coding-DNA position 3238, C replaced by T.
Protein change: p.Arg1080Ter; replaces arginine 1080 with a stop codon.
Molecular consequence: nonsense.
Genome position (GRCh38, 1-based): chr14:75,820,073, C>T. VCF-style: chr14-75820073-C-T. GRCh37 (hg19) VCF-style: chr14-76286416-C-T.
Other names: short protein forms R1080*.
Identifiers: ClinVar variation 2061172 (VCV002061172.4), dbSNP rs1193187457, ClinGen allele CA390536502.